The following is an entry in ClinVar:

NM_015378.4(VPS13D):c.9746T>C (p.Met3249Thr)

Gene: VPS13D (vacuolar protein sorting 13 homolog D; plus strand). Cytogenetic location: 1p36.22.
Variant type: single nucleotide variant.
Coding change: c.9746T>C on transcript NM_015378.4 (MANE Select); coding-DNA position 9746, T replaced by C.
Protein change: p.Met3249Thr; replaces methionine 3249 with threonine.
Molecular consequence: missense variant.
Genome position (GRCh38, 1-based): chr1:12,355,965, T>C. VCF-style: chr1-12355965-T-C. GRCh37 (hg19) VCF-style: chr1-12416022-T-C.
Other names: c.9671T>C, p.Met3224Thr (NM_018156.4); short protein forms M3224T, M3249T.
Identifiers: ClinVar variation 2229967 (VCV002229967.2), dbSNP rs2524377211, ClinGen allele CA338495176.

ClinVar aggregate classification (germline): Uncertain significance (1 of 4 stars; one submission).

Conditions:
Inborn genetic diseases. Identifiers: MedGen C0950123, MeSH D030342.

gnomAD v4.1: 3 of 1,613,212 alleles (0.00019%); highest among the groups gnomAD compares: Non-Finnish European, 0.00025%; no homozygotes.

Submission:

Ambry Genetics
Classification: Uncertain significance for Inborn genetic diseases. Last evaluated: 2021-03-19. Review status: criteria provided, single submitter. Criteria: Ambry Variant Classification Scheme 2023. Collection method: clinical testing. Allele origin: germline.
Comment: The c.9746T>C (p.M3249T) alteration is located in exon 48 (coding exon 47) of the VPS13D gene. This alteration results from a T to C substitution at nucleotide position 9746, causing the methionine (M) at amino acid position 3249 to be replaced by a threonine (T). The p.M3249T alteration is predicted to be tolerated by in silico analysis. Based on insufficient or conflicting evidence, the clinical significance of this alteration remains unclear.